The following is an entry in ClinVar:

ClinVar aggregate classification (germline): Benign. Review status: criteria provided, multiple submitters, no conflicts (2 of 4 stars). 4 submissions from 4 submitters: Benign (4). Last evaluated 2026-01-27.

Conditions:
H syndrome. Also called: Pigmented hypertrichosis and insulin-dependent diabetes mellitus; HISTIOCYTOSIS AND LYMPHADENOPATHY WITH OR WITHOUT CUTANEOUS, CARDIAC, AND/OR ENDOCRINE FEATURES, JOINT CONTRACTURES, AND/OR DEAFNESS; HYPERPIGMENTATION, CUTANEOUS, WITH HYPERTRICHOSIS, HEPATOSPLENOMEGALY, HEART ANOMALIES, AND HYPOGONADISM WITH OR WITHOUT HEARING LOSS; PIGMENTED HYPERTRICHOSIS WITH INSULIN-DEPENDENT DIABETES MELLITUS; ROSAI-DORFMAN DISEASE, FAMILIAL; SINUS HISTIOCYTOSIS AND MASSIVE LYMPHADENOPATHY. Identifiers: Orphanet 168569, MedGen C1864445, MONDO:0011273, OMIM 602782.

Allele frequency attached by ClinVar (database versions not stated): gnomAD exomes 0.00095 and 0.00261; ExAC 0.00345; gnomAD 0.01081 and 0.01144; ESP Exome Variant Server 0.01169; TOPMed 0.01189; 1000 Genomes Project 0.01298; 1000 Genomes Project 30x 0.01437.

Submissions (4):

Labcorp Genetics (formerly Invitae), Labcorp
Classification: Benign for H syndrome. Last evaluated: 2026-01-27. Review status: criteria provided, single submitter. Criteria: Invitae Variant Classification Sherloc (09022015). Collection method: clinical testing. Allele origin: germline.

Women's Health and Genetics/Laboratory Corporation of America, LabCorp
Classification: Benign. Last evaluated: 2026-01-23. Review status: criteria provided, single submitter. Criteria: LabCorp Variant Classification Summary - May 2015. Collection method: clinical testing. Allele origin: germline.

Mayo Clinic Laboratories, Mayo Clinic
Classification: Benign. Last evaluated: 2024-02-07. Review status: criteria provided, single submitter. Criteria: ACMG Guidelines, 2015. Collection method: clinical testing. Allele origin: germline. Observed: 2 variant alleles.
Comment: BS1, BS2, BP4, BP7

Illumina Laboratory Services, Illumina
Classification: Benign for H syndrome. Last evaluated: 2018-01-13. Review status: criteria provided, single submitter. Criteria: ICSL Variant Classification Criteria 13 December 2019. Collection method: clinical testing. Allele origin: germline.
Comment: This variant was observed in the ICSL laboratory as part of a predisposition screen in an ostensibly healthy population. It had not been previously curated by ICSL or reported in the Human Gene Mutation Database (HGMD: prior to June 1st, 2018), and was therefore a candidate for classification through an automated scoring system. Utilizing variant allele frequency, disease prevalence and penetrance estimates, and inheritance mode, an automated score was calculated to assess if this variant is too frequent to cause the disease. Based on the score and internal cut-off values, a variant classified as benign is not then subjected to further curation. The score for this variant resulted in a classification of benign for this disease.

NM_018344.6(SLC29A3):c.300+3A>G

Gene: SLC29A3 (solute carrier family 29 member 3; plus strand). Cytogenetic location: 10q22.1.
Variant type: single nucleotide variant.
Coding change: c.300+3A>G on transcript NM_018344.6 (MANE Select); 3 bases into the intron after coding-DNA position 300, A replaced by G.
Molecular consequence: intron variant.
Genome position (GRCh38, 1-based): chr10:71,323,057, A>G. VCF-style: chr10-71323057-A-G. GRCh37 (hg19) VCF-style: chr10-73082814-A-G.
Other names: p.?; c.66+3A>G (NM_001363518.2); c.300+3A>G (NM_001174098.2).
Identifiers: ClinVar variation 300357 (VCV000300357.17), dbSNP rs7083031, ClinGen allele CA5542865.
Genomic context (GRCh38, chr10:71,323,057, plus strand): 5'-ACTCCGCAACTCCTCCAGCCCAGCCACCGGGGAGGACCCTGAGGGCTCAGACATCCTGGT[A>G]AGGGCATGTTTCTCCTGCAAGGCTGGTGGGAGCATACAGAGGCCTCATGCCTCACATGCA-3'